The following is an entry in ClinVar:

NM_000283.4(PDE6B):c.115G>A (p.Gly39Arg)

Gene: PDE6B (phosphodiesterase 6B; plus strand). Cytogenetic location: 4p16.3.
Variant type: single nucleotide variant.
Coding change: c.115G>A on transcript NM_000283.4 (MANE Select); coding-DNA position 115, G replaced by A.
Protein change: p.Gly39Arg; replaces glycine 39 with arginine.
Molecular consequence: missense variant.
Genome position (GRCh38, 1-based): chr4:625,741, G>A. VCF-style: chr4-625741-G-A. GRCh37 (hg19) VCF-style: chr4-619530-G-A.
Other names: c.115G>A, p.Gly39Arg (NM_001145291.2); c.115G>A (NM_000283.3); short protein forms G39R.
Identifiers: ClinVar variation 1398185 (VCV001398185.7), dbSNP rs151334566, ClinGen allele CA2793846.

ClinVar aggregate classification (germline): Conflicting classifications of pathogenicity. Review status: criteria provided, conflicting classifications (1 of 4 stars). 2 submissions from 2 submitters: Uncertain significance (1); Likely benign (1). Last evaluated 2023-01-14.

Conditions:
Inborn genetic diseases. Identifiers: MedGen C0950123, MeSH D030342.

Allele frequency attached by ClinVar (database versions not stated): gnomAD 0.00001; TOPMed 0.00003; gnomAD exomes 0.00005; ExAC 0.00006; ESP Exome Variant Server 0.00008.
gnomAD v4.1: 40 of 1,613,314 alleles (0.0025%); highest among the groups gnomAD compares: Middle Eastern, 0.016%; no homozygotes.

Submissions (2):

Labcorp Genetics (formerly Invitae), Labcorp
Classification: Uncertain significance. Last evaluated: 2023-01-14. Review status: criteria provided, single submitter. Criteria: Invitae Variant Classification Sherloc (09022015). Collection method: clinical testing. Allele origin: germline.
Comment: In summary, the available evidence is currently insufficient to determine the role of this variant in disease. Therefore, it has been classified as a Variant of Uncertain Significance. Advanced modeling of protein sequence and biophysical properties (such as structural, functional, and spatial information, amino acid conservation, physicochemical variation, residue mobility, and thermodynamic stability) performed at Invitae indicates that this missense variant is not expected to disrupt PDE6B protein function. ClinVar contains an entry for this variant (Variation ID: 1398185). This variant has not been reported in the literature in individuals affected with PDE6B-related conditions. This variant is present in population databases (rs151334566, gnomAD 0.006%). This sequence change replaces glycine, which is neutral and non-polar, with arginine, which is basic and polar, at codon 39 of the PDE6B protein (p.Gly39Arg).

Ambry Genetics
Classification: Likely benign for Inborn genetic diseases. Last evaluated: 2021-06-11. Review status: criteria provided, single submitter. Criteria: Ambry Variant Classification Scheme 2023. Collection method: clinical testing. Allele origin: germline.